The following is an entry in ClinVar:

NM_017827.4(SARS2):c.795C>T (p.Arg265=)

Gene: SARS2 (seryl-tRNA synthetase 2, mitochondrial; minus strand). Cytogenetic location: 19q13.2.
Variant type: single nucleotide variant.
Coding change: c.795C>T on transcript NM_017827.4 (MANE Select); coding-DNA position 795, C replaced by T.
Protein change: p.Arg265=; no amino-acid change (arginine 265 retained).
Molecular consequence: synonymous variant.
Genome position (GRCh38, 1-based): chr19:38,918,778, G>A on the plus strand (C>T on the coding strand, the complement: SARS2 is on the minus strand). VCF-style: chr19-38918778-G-A. GRCh37 (hg19) VCF-style: chr19-39409418-G-A.
Other names: c.801C>T, p.Arg267= (NM_001145901.2).
Identifiers: ClinVar variation 681928 (VCV000681928.8), dbSNP rs372151812, ClinGen allele CA9423022.

ClinVar aggregate classification (germline): Likely benign. Review status: criteria provided, multiple submitters, no conflicts (2 of 4 stars). 4 submissions from 4 submitters: Likely benign (3). 1 of the submissions does not count toward it. Last evaluated 2022-07-05.

Conditions:
Hyperuricemia, pulmonary hypertension, renal failure, alkalosis syndrome (HUPRAS). Also called: HYPERURICEMIA, PULMONARY HYPERTENSION, RENAL FAILURE, AND ALKALOSIS SYNDROME; HUPRA SYNDROME. Identifiers: Orphanet 363694, MedGen C3151209, MONDO:0013458, OMIM 613845.
SARS2-related disorder. Also called: SARS2-related condition.

Allele frequency attached by ClinVar (database versions not stated): gnomAD 0.00003 and 0.00004; ExAC 0.00004; gnomAD exomes 0.00004; TOPMed 0.00006; ESP Exome Variant Server 0.00015.
gnomAD v4.1: 85 of 1,561,348 alleles (0.0054%); highest among the groups gnomAD compares: African/African-American, 0.015%; no homozygotes.

Submissions (4):

Labcorp Genetics (formerly Invitae), Labcorp
Classification: Likely benign. Last evaluated: 2022-07-05. Review status: criteria provided, single submitter. Criteria: Invitae Variant Classification Sherloc (09022015). Collection method: clinical testing. Allele origin: germline.

Fulgent Genetics
Classification: Likely benign for Hyperuricemia, pulmonary hypertension, renal failure, alkalosis syndrome. Last evaluated: 2021-11-02. Review status: criteria provided, single submitter. Criteria: ACMG Guidelines, 2015. Collection method: clinical testing. Allele origin: unknown.

GeneDx
Classification: Likely benign. Last evaluated: 2018-05-03. Review status: criteria provided, single submitter. Criteria: GeneDx Variant Classification (06012015). Collection method: clinical testing. Allele origin: germline. Affected: yes.
Comment: This variant is considered likely benign or benign based on one or more of the following criteria: it is a conservative change, it occurs at a poorly conserved position in the protein, it is predicted to be benign by multiple in silico algorithms, and/or has population frequency not consistent with disease.

PreventionGenetics, part of Exact Sciences
Classification: Likely benign for SARS2-related condition. Last evaluated: 2019-05-28. Review status: no assertion criteria provided. Collection method: clinical testing. Allele origin: germline. Not counted in ClinVar's aggregate classification.
Comment: This variant is classified as likely benign based on ACMG/AMP sequence variant interpretation guidelines (Richards et al. 2015 PMID: 25741868, with internal and published modifications).